The following is an entry in ClinVar:

ClinVar aggregate classification (germline): Pathogenic (1 of 4 stars; one submission).

Conditions:
Neurofibromatosis, type 1 (NF1). Also called: Neurofibromatosis, type I; VON RECKLINGHAUSEN DISEASE; NEUROFIBROMATOSIS, TYPE I, SOMATIC; Peripheral type neurofibromatosis. Identifiers: Orphanet 636, MedGen C0027831, MONDO:0018975, OMIM 162200. Disease mechanism: loss of function.

Submission:

Labcorp Genetics (formerly Invitae), Labcorp
Classification: Pathogenic for Neurofibromatosis, type 1. Last evaluated: 2022-03-31. Review status: criteria provided, single submitter. Criteria: Invitae Variant Classification Sherloc (09022015). Collection method: clinical testing. Allele origin: germline.
Comment: For these reasons, this variant has been classified as Pathogenic. This premature translational stop signal has been observed in individual(s) with neurofibromatosis type 1 (PMID: 29618358). This variant is not present in population databases (gnomAD no frequency). This sequence change creates a premature translational stop signal (p.Ser2565*) in the NF1 gene. It is expected to result in an absent or disrupted protein product. Loss-of-function variants in NF1 are known to be pathogenic (PMID: 10712197, 23913538).

Literature cited by the submitters: PubMed 29618358; PubMed 10712197; PubMed 23913538.

NM_001042492.3(NF1):c.7757C>G (p.Ser2586Ter)

Gene: NF1 (neurofibromin 1; plus strand). Cytogenetic location: 17q11.2.
Variant type: single nucleotide variant.
Coding change: c.7757C>G on transcript NM_001042492.3 (MANE Select); coding-DNA position 7757, C replaced by G.
Protein change: p.Ser2586Ter; replaces serine 2586 with a stop codon.
Molecular consequence: nonsense.
Genome position (GRCh38, 1-based): chr17:31,356,978, C>G. VCF-style: chr17-31356978-C-G. GRCh37 (hg19) VCF-style: chr17-29683996-C-G.
Other names: c.7694C>G, p.Ser2565Ter (NM_000267.4); short protein forms S2565*, S2586*.
Identifiers: ClinVar variation 2152282 (VCV002152282.4), dbSNP rs769876049, ClinGen allele CA399018364.